The following is an entry in ClinVar:

NM_001165963.4(SCN1A):c.4915del (p.Arg1639fs)

Genes: SCN1A (sodium voltage-gated channel alpha subunit 1; minus strand), LOC102724058 (uncharacterized LOC102724058; plus strand). Cytogenetic location: 2q24.3.
Variant type: Deletion.
Coding change: c.4915del on transcript NM_001165963.4 (MANE Select); coding-DNA position 4915, one base deleted (C; older notation c.4915delC).
Protein change: p.Arg1639fs; shifts the reading frame from arginine 1639.
Molecular consequence: frameshift variant. On other transcripts: non-coding transcript variant (1).
Genome position (GRCh38, 1-based): chr2:165,992,360, G deleted on the plus strand (C on the coding strand, the reverse complement: SCN1A is on the minus strand); the first of 2 consecutive G bases (chr2:165,992,360-165,992,361); deleting either gives the same sequence. VCF-style (leftmost placement, unchanged base first): chr2-165992359-CG-C. GRCh37 (hg19) VCF-style: chr2-166848869-CG-C.
Other names: c.4831del, p.Arg1611fs (NM_001165964.3, NM_001353957.2, NM_001353958.2); c.4915del, p.Arg1639fs (NM_001202435.3, NM_001353948.2); c.4882del, p.Arg1628fs (NM_001353949.2, NM_001353950.2, NM_001353951.2 and 2 more transcripts); c.4879del, p.Arg1627fs (NM_001353954.2, NM_001353955.2); c.4828del, p.Arg1610fs (NM_001353960.2); c.2473del, p.Arg825fs (NM_001353961.2); short protein forms R1639fs, R1610fs, R1611fs, R1628fs, R825fs, R1627fs.
Identifiers: ClinVar variation 2883991 (VCV002883991.3), dbSNP rs2468340810, ClinGen allele CA2586970358.
Genomic context (GRCh38, chr2:165,992,359, plus strand): 5'-AGCGTGCGGATCCCCTTTGCTCCTTTGATCAGACGTAGGATTCGGCCAATCCTAGCAAGA[CG>C]GATCACTCGGAACAGGGTAGGGGACACGAAATACTTTTCTATCAGCTCGGCAAGAAACAT-3'

ClinVar aggregate classification (germline): Pathogenic (1 of 4 stars; one submission).

Conditions:
Early-infantile DEE. Also called: Ohtahara syndrome; Early infantile epileptic encephalopathy; Early infantile epileptic encephalopathy with suppression bursts. Identifiers: Orphanet 1934, MedGen C0393706, MONDO:0800491.

Submission:

Labcorp Genetics (formerly Invitae), Labcorp
Classification: Pathogenic for Early-infantile DEE. Last evaluated: 2023-04-10. Review status: criteria provided, single submitter. Criteria: Invitae Variant Classification Sherloc (09022015). Collection method: clinical testing. Allele origin: germline.
Comment: For these reasons, this variant has been classified as Pathogenic. This variant disrupts a region of the SCN1A protein in which other variant(s) (p.Arg1924Leufs*8) have been determined to be pathogenic (PMID: 27465585). This suggests that this is a clinically significant region of the protein, and that variants that disrupt it are likely to be disease-causing. This premature translational stop signal has been observed in individual(s) with drug-refractory epilepsy (PMID: 30182801). This variant is not present in population databases (gnomAD no frequency). This sequence change creates a premature translational stop signal (p.Arg1639Valfs*11) in the SCN1A gene. While this is not anticipated to result in nonsense mediated decay, it is expected to disrupt the last 371 amino acid(s) of the SCN1A protein.

Literature cited by the submitters: PubMed 27465585; PubMed 30182801.